The following is an entry in ClinVar:

NM_198578.4(LRRK2):c.662T>C (p.Ile221Thr)

Gene: LRRK2 (leucine rich repeat kinase 2; plus strand). Cytogenetic location: 12q12.
Variant type: single nucleotide variant.
Coding change: c.662T>C on transcript NM_198578.4 (MANE Select); coding-DNA position 662, T replaced by C.
Protein change: p.Ile221Thr; replaces isoleucine 221 with threonine.
Molecular consequence: missense variant.
Genome position (GRCh38, 1-based): chr12:40,240,573, T>C. VCF-style: chr12-40240573-T-C. GRCh37 (hg19) VCF-style: chr12-40634375-T-C.
Other names: short protein forms I221T.
Identifiers: ClinVar variation 3540585 (VCV003540585.1).

ClinVar aggregate classification (germline): Uncertain significance (1 of 4 stars; one submission).

Conditions:
Inborn genetic diseases. Identifiers: MedGen C0950123, MeSH D030342.

Submission:

Ambry Genetics
Classification: Uncertain significance for Inborn genetic diseases. Last evaluated: 2024-07-17. Review status: criteria provided, single submitter. Criteria: Ambry Variant Classification Scheme 2023. Collection method: clinical testing. Allele origin: germline.
Comment: The p.I221T variant (also known as c.662T>C), located in coding exon 6 of the LRRK2 gene, results from a T to C substitution at nucleotide position 662. The isoleucine at codon 221 is replaced by threonine, an amino acid with similar properties. This amino acid position is conserved. In addition, the in silico prediction for this alteration is inconclusive. Based on the available evidence, the clinical significance of this variant remains unclear.